The following is an entry in ClinVar:

NM_014270.5(SLC7A9):c.489G>A (p.Ser163=)

Gene: SLC7A9 (solute carrier family 7 member 9; minus strand). Cytogenetic location: 19q13.11.
Variant type: single nucleotide variant.
Coding change: c.489G>A on transcript NM_014270.5 (MANE Select); coding-DNA position 489, G replaced by A.
Protein change: p.Ser163=; no amino-acid change (serine 163 retained).
Molecular consequence: synonymous variant.
Genome position (GRCh38, 1-based): chr19:32,862,576, C>T on the plus strand (G>A on the coding strand, the complement: SLC7A9 is on the minus strand). VCF-style: chr19-32862576-C-T. GRCh37 (hg19) VCF-style: chr19-33353482-C-T.
Other names: c.489G>A, p.Ser163= (NM_001126335.2, NM_001243036.2).
Identifiers: ClinVar variation 3029020 (VCV003029020.2), dbSNP rs1599684806, ClinGen allele CA506667048.
Genomic context (GRCh38, chr19:32,862,576, plus strand): 5'-GGCCGCGGTGAAGATGTTCTGGACGTAGCTTCCCAGCCGCACGCTCAGTGAGTTCACTGT[C>T]GAGATGAACACTGGAAGGGTGGGGACAGTTTCTGCATTTATGGTTTTCAGCAAAGCCCTG-3'
Protein context (NP_055085.1, residues 153-173): CLAAAAILFI[Ser163=]TVNSLSVRLG

ClinVar aggregate classification (germline): Likely benign (0 of 4 stars; one submission).

Conditions:
SLC7A9-related disorder. Also called: SLC7A9-related condition.

Allele frequency attached by ClinVar (database versions not stated): TOPMed below 0.00001; gnomAD 0.00001.
gnomAD v4.1: 2 of 1,613,752 alleles (0.00012%); highest among the groups gnomAD compares: Non-Finnish European, 0.00017%; no homozygotes.

Submission:

PreventionGenetics, part of Exact Sciences
Classification: Likely benign for SLC7A9-related condition. Last evaluated: 2021-07-14. Review status: no assertion criteria provided. Collection method: clinical testing. Allele origin: germline.
Comment: This variant is classified as likely benign based on ACMG/AMP sequence variant interpretation guidelines (Richards et al. 2015 PMID: 25741868, with internal and published modifications).